The following is an entry in ClinVar:

NM_002184.4(IL6ST):c.1897A>G (p.Thr633Ala)

Gene: IL6ST (interleukin 6 cytokine family signal transducer; minus strand). Cytogenetic location: 5q11.2.
Variant type: single nucleotide variant.
Coding change: c.1897A>G on transcript NM_002184.4 (MANE Select); coding-DNA position 1897, A replaced by G.
Protein change: p.Thr633Ala; replaces threonine 633 with alanine.
Molecular consequence: missense variant. On other transcripts: 3 prime UTR variant (1), non-coding transcript variant (2).
Genome position (GRCh38, 1-based): chr5:55,947,533, T>C on the plus strand (A>G on the coding strand, the complement: IL6ST is on the minus strand). VCF-style: chr5-55947533-T-C. GRCh37 (hg19) VCF-style: chr5-55243361-T-C.
Other names: c.1714A>G, p.Thr572Ala (NM_001190981.2); c.1795A>G, p.Thr599Ala (NM_001364275.2); c.1687A>G, p.Thr563Ala (NM_001364276.2); c.1030A>G, p.Thr344Ala (NM_001364277.2); c.994A>G, p.Thr332Ala (NM_001364278.2); c.901A>G, p.Thr301Ala (NM_001364279.2); c.*824A>G (NM_175767.3); short protein forms T301A, T332A, T344A, T563A, T572A, T599A, T633A.
Identifiers: ClinVar variation 2414975 (VCV002414975.5), dbSNP rs758296140, ClinGen allele CA3271271.

ClinVar aggregate classification (germline): Uncertain significance (1 of 4 stars; one submission).

Allele frequency attached by ClinVar (database versions not stated): ExAC 0.00001; gnomAD exomes 0.00001; TOPMed 0.00002; gnomAD 0.00008.
gnomAD v4.1: 25 of 1,585,576 alleles (0.0016%); highest among the groups gnomAD compares: Admixed American, 0.02%; no homozygotes.

Submission:

Labcorp Genetics (formerly Invitae), Labcorp
Classification: Uncertain significance. Last evaluated: 2024-01-10. Review status: criteria provided, single submitter. Criteria: Invitae Variant Classification Sherloc (09022015). Collection method: clinical testing. Allele origin: germline.
Comment: This sequence change replaces threonine, which is neutral and polar, with alanine, which is neutral and non-polar, at codon 633 of the IL6ST protein (p.Thr633Ala). This variant is present in population databases (rs758296140, gnomAD 0.003%). This variant has not been reported in the literature in individuals affected with IL6ST-related conditions. ClinVar contains an entry for this variant (Variation ID: 2414975). An algorithm developed to predict the effect of missense changes on protein structure and function (PolyPhen-2) suggests that this variant is likely to be tolerated. In summary, the available evidence is currently insufficient to determine the role of this variant in disease. Therefore, it has been classified as a Variant of Uncertain Significance.